The following is an entry in ClinVar:

NM_000540.3(RYR1):c.11600G>A (p.Arg3867His)

Gene: RYR1 (ryanodine receptor 1; plus strand). Cytogenetic location: 19q13.2.
Variant type: single nucleotide variant.
Coding change: c.11600G>A on transcript NM_000540.3 (MANE Select); coding-DNA position 11600, G replaced by A.
Protein change: p.Arg3867His; replaces arginine 3867 with histidine.
Molecular consequence: missense variant.
Genome position (GRCh38, 1-based): chr19:38,536,759, G>A. VCF-style: chr19-38536759-G-A. GRCh37 (hg19) VCF-style: chr19-39027399-G-A.
Other names: c.11585G>A, p.Arg3862His (NM_001042723.2); short protein forms R3867H, R3862H.
Identifiers: ClinVar variation 961199 (VCV000961199.16), dbSNP rs758651267, ClinGen allele CA057254.

ClinVar aggregate classification (germline): Uncertain significance. Review status: criteria provided, multiple submitters, no conflicts (2 of 4 stars). 8 submissions from 8 submitters: Uncertain significance (8). Last evaluated 2026-03-10.

Conditions:
RYR1-related disorder. Also called: RYR1-related condition; RYR1-related disorders. Identifiers: MedGen CN239331.
Inborn genetic diseases. Identifiers: MedGen C0950123, MeSH D030342.
Malignant hyperthermia, susceptibility to, 1 (MHS1). Also called: Anesthesia related hyperthermia; Malignant hyperpyrexia; Fulminating hyperpyrexia; Pharmacogenic myopathy; Malignant hyperthermia suceptibility 1; RYR1-Related Malignant Hyperthermia Susceptibility. Identifiers: Orphanet 423, MedGen C2930980, MONDO:0007783, OMIM 145600.
Congenital myopathy with fiber type disproportion. Also called: Congenital fiber-type disproportion myopathy; Congenital fiber-type disproportion. Identifiers: Orphanet 2020, MedGen C0546264, MONDO:0009711. Inheritance: all.
Congenital multicore myopathy with external ophthalmoplegia (CMYO1B). Also called: MULTICORE MYOPATHY; Congenital myopathy 1B, autosomal recessive; Minicore myopathy; Minicore myopathy with external ophthalmoplegia; MULTIMINICORE DISEASE WITH EXTERNAL OPHTHALMOPLEGIA. Identifiers: Orphanet 598, Orphanet 98905, MedGen C1850674, MONDO:0009712, OMIM 255320, HP:0003789.
King Denborough syndrome (KDS). Identifiers: MedGen C1840365, MONDO:0020485, OMIM 619542.
Central core myopathy (CMYO1A). Also called: CONGENITAL MYOPATHY 1A, AUTOSOMAL DOMINANT, WITH SUSCEPTIBILITY TO MALIGNANT HYPERTHERMIA; Central core disease; Myopathy, central fibrillar. Identifiers: Orphanet 597, MedGen C5830701, MONDO:0007294, OMIM 117000.

Allele frequency attached by ClinVar (database versions not stated): TOPMed 0.00004; ExAC 0.00002; gnomAD 0.00002 and 0.00003; gnomAD exomes 0.00002.
gnomAD v4.1: 27 of 1,613,274 alleles (0.0017%); highest among the groups gnomAD compares: African/African-American, 0.013%; no homozygotes.

Submissions (8):

PreventionGenetics, part of Exact Sciences
Classification: Uncertain significance for RYR1-related condition. Last evaluated: 2026-03-10. Review status: criteria provided, single submitter. Criteria: ACMG Guidelines, 2015. Collection method: clinical testing. Allele origin: germline.
Comment: The RYR1 c.11600G>A variant is predicted to result in the amino acid substitution p.Arg3867His. To our knowledge, this variant has not been reported in the literature. This variant is reported in 0.012% of alleles in individuals of African descent in gnomAD. At this time, the clinical significance of this variant is uncertain due to the absence of conclusive functional and genetic evidence.

Ambry Genetics
Classification: Uncertain significance for Inborn genetic diseases. Last evaluated: 2025-11-24. Review status: criteria provided, single submitter. Criteria: Ambry Variant Classification Scheme 2023. Collection method: clinical testing. Allele origin: germline.

GeneDx
Classification: Uncertain significance. Last evaluated: 2025-10-24. Review status: criteria provided, single submitter. Criteria: GeneDx Variant Classification Process June 2021. Collection method: clinical testing. Allele origin: germline.
Comment: Not observed at significant frequency in large population cohorts (gnomAD); In silico analysis suggests that this missense variant does not alter protein structure/function; Has not been previously published as pathogenic or benign to our knowledge

Labcorp Genetics (formerly Invitae), Labcorp
Classification: Uncertain significance for RYR1-related disorder. Last evaluated: 2024-05-29. Review status: criteria provided, single submitter. Criteria: Invitae Variant Classification Sherloc (09022015). Collection method: clinical testing. Allele origin: germline.
Comment: This sequence change replaces arginine, which is basic and polar, with histidine, which is basic and polar, at codon 3867 of the RYR1 protein (p.Arg3867His). This variant is present in population databases (rs758651267, gnomAD 0.008%). This variant has not been reported in the literature in individuals affected with RYR1-related conditions. ClinVar contains an entry for this variant (Variation ID: 961199). Advanced modeling of protein sequence and biophysical properties (such as structural, functional, and spatial information, amino acid conservation, physicochemical variation, residue mobility, and thermodynamic stability) performed at Invitae indicates that this missense variant is not expected to disrupt RYR1 protein function with a negative predictive value of 95%. In summary, the available evidence is currently insufficient to determine the role of this variant in disease. Therefore, it has been classified as a Variant of Uncertain Significance.

Color Diagnostics, LLC DBA Color Health
Classification: Uncertain significance for Malignant hyperthermia, susceptibility to, 1. Last evaluated: 2024-01-30. Review status: criteria provided, single submitter. Criteria: ACMG Guidelines, 2015. Collection method: clinical testing. Allele origin: germline.
Comment: This missense variant replaces arginine with histidine at codon 3867 of the RYR1 protein. Computational prediction suggests that this variant may not impact protein structure and function. To our knowledge, functional studies have not been reported for this variant. This variant has not been reported in individuals affected with RYR1-related disorders in the literature. This variant has been identified in 6/282434 chromosomes in the general population by the Genome Aggregation Database (gnomAD). The available evidence is insufficient to determine the role of this variant in disease conclusively. Therefore, this variant is classified as a Variant of Uncertain Significance.

All of Us Research Program, National Institutes of Health
Classification: Uncertain significance for Malignant hyperthermia, susceptibility to, 1. Last evaluated: 2023-09-05. Review status: criteria provided, single submitter. Criteria: ACMG Guidelines, 2015. Collection method: clinical testing. Allele origin: germline. Inheritance: Autosomal dominant inheritance. Observed: 1 variant allele, 1 heterozygote.
Comment: This study involves interpretation of variants in research participants for the purpose of population health screening. Participant phenotype was not available at the time of variant classification. Additional details can be found in publication PMID: 35346344, PMCID: PMC8962531

Fulgent Genetics
Classification: Uncertain significance for Central core myopathy; Malignant hyperthermia, susceptibility to, 1; Congenital myopathy 4A, autosomal dominant; Congenital multicore myopathy with external ophthalmoplegia; King Denborough syndrome. Last evaluated: 2021-07-20. Review status: criteria provided, single submitter. Criteria: ACMG Guidelines, 2015. Collection method: clinical testing. Allele origin: unknown.

Revvity Omics, Revvity
Classification: Uncertain significance. Last evaluated: 2019-06-25. Review status: criteria provided, single submitter. Criteria: ACMG Guidelines, 2015. Collection method: clinical testing. Allele origin: germline.